The following is an entry in ClinVar:

NM_007294.4(BRCA1):c.3631_3634del (p.Ser1211fs)

Genes: BRCA1 (BRCA1 DNA repair associated; minus strand), LOC126862571 (BRD4-independent group 4 enhancer GRCh37_chr17:41243136-41244335; plus strand). Cytogenetic location: 17q21.31.
Variant type: Deletion.
Coding change: c.3631_3634del on transcript NM_007294.4 (MANE Select); coding-DNA positions 3631 to 3634, 4 bases deleted (TCCT; older notation c.3631_3634delTCCT).
Protein change: p.Ser1211fs; shifts the reading frame from serine 1211.
Molecular consequence: frameshift variant. On other transcripts: intron variant (135).
Genome position (GRCh38, 1-based): chr17:43,091,897-43,091,900, AGGA deleted on the plus strand (TCCT on the coding strand, the reverse complement: BRCA1 is on the minus strand). VCF-style (leftmost placement, unchanged base first): chr17-43091896-GAGGA-G. GRCh37 (hg19) VCF-style: chr17-41243913-GAGGA-G.
Other names: 3750_3754del4; c.3508_3511del, p.Ser1170fs (NM_001407676.1, NM_001407677.1, NM_001407678.1 and 19 more transcripts); c.3631_3634del, p.Ser1211fs (NM_001407684.1, NM_001407854.1, NM_001407858.1 and 30 more transcripts); c.3505_3508del, p.Ser1169fs (NM_001407685.1, NM_001407686.1, NM_001407687.1 and 11 more transcripts); c.3490_3493del, p.Ser1164fs (NM_001407692.1, NM_001407694.1, NM_001407695.1 and 29 more transcripts); c.3487_3490del, p.Ser1163fs (NM_001407740.1, NM_001407741.1, NM_001407742.1 and 20 more transcripts); c.3418_3421del, p.Ser1140fs (NM_001407853.1, NM_001407894.1, NM_001407895.1 and 9 more transcripts); c.3628_3631del, p.Ser1210fs (NM_001407860.1, NM_001407861.1, NM_001407587.1 and 22 more transcripts); and 43 more; short protein forms S1164fs, S1211fs, S1084fs, S1099fs, S1100fs, S1141fs, S1143fs, S1184fs.
Identifiers: ClinVar variation 266396 (VCV000266396.4), dbSNP rs886040156, ClinGen allele CA10589732.

ClinVar aggregate classification (germline): Pathogenic (3 of 4 stars; one submission).

Conditions:
Breast-ovarian cancer, familial, susceptibility to, 1 (BROVCA1). Also called: BRCA1 Hereditary Breast and Ovarian Cancer; OVARIAN CANCER, SUSCEPTIBILITY TO. Identifiers: Orphanet 145, MedGen C2676676, MONDO:0011450, OMIM 604370. Disease mechanism: loss of function.

Submission:

Evidence-based Network for the Interpretation of Germline Mutant Alleles (ENIGMA)
Classification: Pathogenic for Breast-ovarian cancer, familial, susceptibility to, 1. Last evaluated: 2016-10-18. Review status: reviewed by expert panel. Criteria: ENIGMA BRCA1/2 Classification Criteria (2015). Collection method: curation. Allele origin: germline.
Comment: Variant allele predicted to encode a truncated non-functional protein.